The following is an entry in ClinVar:

NM_001127208.3(TET2):c.2660A>G (p.Glu887Gly)

Genes: TET2 (tet methylcytosine dioxygenase 2; plus strand), TET2-AS1 (TET2 antisense RNA 1; minus strand). Cytogenetic location: 4q24.
Variant type: single nucleotide variant.
Coding change: c.2660A>G on transcript NM_001127208.3 (MANE Select); coding-DNA position 2660, A replaced by G.
Protein change: p.Glu887Gly; replaces glutamic acid 887 with glycine.
Molecular consequence: missense variant.
Genome position (GRCh38, 1-based): chr4:105,236,602, A>G. VCF-style: chr4-105236602-A-G. GRCh37 (hg19) VCF-style: chr4-106157759-A-G.
Other names: c.2660A>G, p.Glu887Gly (NM_017628.4); short protein forms E887G.
Identifiers: ClinVar variation 3805955 (VCV003805955.1).

ClinVar aggregate classification (germline): Uncertain significance (1 of 4 stars; one submission).

Submission:

Ambry Genetics
Classification: Uncertain significance. Last evaluated: 2025-01-13. Review status: criteria provided, single submitter. Criteria: Ambry Variant Classification Scheme 2023. Collection method: clinical testing. Allele origin: germline.
Comment: The p.E887G variant (also known as c.2660A>G), located in coding exon 1 of the TET2 gene, results from an A to G substitution at nucleotide position 2660. The glutamic acid at codon 887 is replaced by glycine, an amino acid with similar properties. This amino acid position is conserved. In addition, this alteration is predicted to be tolerated by in silico analysis. Based on the available evidence, the clinical significance of this variant remains unclear.